The following is an entry in ClinVar:

NM_001458.5(FLNC):c.5199+6T>G

Gene: FLNC (filamin C; plus strand). Cytogenetic location: 7q32.1.
Variant type: single nucleotide variant.
Coding change: c.5199+6T>G on transcript NM_001458.5 (MANE Select); 6 bases into the intron after coding-DNA position 5199, T replaced by G.
Molecular consequence: intron variant.
Genome position (GRCh38, 1-based): chr7:128,849,584, T>G. VCF-style: chr7-128849584-T-G. GRCh37 (hg19) VCF-style: chr7-128489638-T-G.
Other names: c.5199+6T>G (NM_001127487.2).
Identifiers: ClinVar variation 2949802 (VCV002949802.3), dbSNP rs2536650913, ClinGen allele CA2740094845.

ClinVar aggregate classification (germline): Uncertain significance (1 of 4 stars; one submission).

Conditions:
Myofibrillar myopathy 5. Also called: Filaminopathy (type); FILAMINOPATHY, AUTOSOMAL DOMINANT. Identifiers: Orphanet 171445, MedGen C1836050, MONDO:0012289, OMIM 609524.
Distal myopathy with posterior leg and anterior hand involvement. Also called: WILLIAMS DISTAL MYOPATHY. Identifiers: Orphanet 63273, MedGen C3279722, MONDO:0013550, OMIM 614065.
Hypertrophic cardiomyopathy 26. Also called: Cardiomyopathy, familial hypertrophic, 26. Identifiers: Orphanet 75249, MedGen C4310749, MONDO:0014883, OMIM 617047.

Submission:

Labcorp Genetics (formerly Invitae), Labcorp
Classification: Uncertain significance for Distal myopathy with posterior leg and anterior hand involvement; Myofibrillar myopathy 5; Hypertrophic cardiomyopathy 26. Last evaluated: 2023-07-30. Review status: criteria provided, single submitter. Criteria: Invitae Variant Classification Sherloc (09022015). Collection method: clinical testing. Allele origin: germline.
Comment: In summary, the available evidence is currently insufficient to determine the role of this variant in disease. Therefore, it has been classified as a Variant of Uncertain Significance. Variants that disrupt the consensus splice site are a relatively common cause of aberrant splicing (PMID: 17576681, 9536098). Algorithms developed to predict the effect of sequence changes on RNA splicing suggest that this variant may disrupt the consensus splice site. This variant has not been reported in the literature in individuals affected with FLNC-related conditions. This variant is not present in population databases (gnomAD no frequency). This sequence change falls in intron 30 of the FLNC gene. It does not directly change the encoded amino acid sequence of the FLNC protein. It affects a nucleotide within the consensus splice site.

Literature cited by the submitters: PubMed 17576681; PubMed 9536098.